The following is an entry in ClinVar:

NM_000283.4(PDE6B):c.2072A>T (p.Asp691Val)

Gene: PDE6B (phosphodiesterase 6B; plus strand). Cytogenetic location: 4p16.3.
Variant type: single nucleotide variant.
Coding change: c.2072A>T on transcript NM_000283.4 (MANE Select); coding-DNA position 2072, A replaced by T.
Protein change: p.Asp691Val; replaces aspartic acid 691 with valine.
Molecular consequence: missense variant.
Genome position (GRCh38, 1-based): chr4:664,164, A>T. VCF-style: chr4-664164-A-T. GRCh37 (hg19) VCF-style: chr4-657953-A-T.
Other names: c.2072A>T, p.Asp691Val (NM_001145291.2); c.1235A>T, p.Asp412Val (NM_001145292.2, NM_001350154.3, NM_001379246.1 and 1 more transcripts); c.917A>T, p.Asp306Val (NM_001350155.3); short protein forms D306V, D412V, D691V.
Identifiers: ClinVar variation 2504732 (VCV002504732.1), dbSNP rs2474284365, ClinGen allele CA355918947.

ClinVar aggregate classification (germline): Uncertain significance (1 of 4 stars; one submission).

Submission:

GeneDx
Classification: Uncertain significance. Last evaluated: 2022-12-12. Review status: criteria provided, single submitter. Criteria: GeneDx Variant Classification Process June 2021. Collection method: clinical testing. Allele origin: germline. Affected: yes.
Comment: Not observed at significant frequency in large population cohorts (gnomAD); In silico analysis supports that this missense variant has a deleterious effect on protein structure/function; Has not been previously published as pathogenic or benign to our knowledge